The following is an entry in ClinVar:

ClinVar aggregate classification (germline): Pathogenic/Likely pathogenic. Review status: criteria provided, multiple submitters, no conflicts (2 of 4 stars). 8 submissions from 8 submitters: Pathogenic (4); Likely pathogenic (4). Last evaluated 2026-05-05.

Conditions:
Myofibrillar myopathy 5. Also called: Filaminopathy (type); FILAMINOPATHY, AUTOSOMAL DOMINANT. Identifiers: Orphanet 171445, MedGen C1836050, MONDO:0012289, OMIM 609524.
Hypertrophic cardiomyopathy 26. Also called: Cardiomyopathy, familial hypertrophic, 26. Identifiers: Orphanet 75249, MedGen C4310749, MONDO:0014883, OMIM 617047.
Distal myopathy with posterior leg and anterior hand involvement. Also called: WILLIAMS DISTAL MYOPATHY. Identifiers: Orphanet 63273, MedGen C3279722, MONDO:0013550, OMIM 614065.
FLNC-related disorder. Also called: FLNC-related disorders; FLNC-related condition.
Cardiovascular phenotype. Identifiers: MedGen CN230736.
Restrictive cardiomyopathy. Identifiers: Orphanet 217632, MedGen C0007196, MeSH D002313, MONDO:0005201, HP:0001723.

Allele frequency attached by ClinVar (database versions not stated): TOPMed below 0.00001; gnomAD 0.00001.
gnomAD v4.1: 3 of 1,609,246 alleles (0.00019%); highest among the groups gnomAD compares: Non-Finnish European, 0.00017%; no homozygotes.

Submissions (8):

Victorian Clinical Genetics Services, Murdoch Childrens Research Institute
Classification: Pathogenic for Hypertrophic cardiomyopathy 26. Last evaluated: 2026-05-05. Review status: criteria provided, single submitter. Criteria: ACMG Guidelines, 2015. Collection method: clinical testing. Allele origin: germline. Affected: yes.
Comment: This variant is classified as Pathogenic. Evidence in support of pathogenic classification: Variant is present in gnomAD <0.001 for a dominant condition (v4: 3 heterozygote(s), 0 homozygote(s)); This variant has strong previous evidence of pathogenicity in unrelated individuals. This variant has been classified as likely pathogenic/pathogenic by clinical laboratories in ClinVar. It has also been reported in four unrelated individuals with restrictive cardiomyopathy, and in family members with restrictive cardiomyopathy, atrial fibrillation or other heart conditions (PMIDs: 29212899, 29650767, 31245841, 36104822); This variant has strong evidence for segregation with disease. In two multi-generational families, this variant has been reported to segregate in two family members with restrictive cardiomyopathy, four with atrial fibrillation, one with cardiac hypertrophy and one with ventricular septal defect (PMIDs: 29212899, 29650767); This variant has strong functional evidence supporting abnormal protein function. Immunohistochemistry analysis of the ventricular tissue samples from an affected individual showed there was markedly diminished association of FLNC with the sarcomeric architecture. In addition, cardiomyocytes differentiated from human embryonic stem cells with the p.(Val2297Met) variant in a homozygous state had significantly reduced contractility (PMID: 29212899). Additional information: Variant is predicted to result in a missense amino acid change from Val to Met; This variant is heterozygous; This gene is associated with autosomal dominant disease. Variants located throughout the gene that are predicted to result in nonsense-mediated decay (NMD) are enriched in dilated cardiomyopathy, whereas missense variants in the ROD2 domain are enriched in familial hypertrophic cardiomyopathy 26 and familial restrictive cardiomyopathy 5 (MIM#617047). Additionally, myofibrillar myopathy 5 (MIM#609524) is known to result from either missense variants in the ROD2 domain or truncating variants in the Ig-like domain 24, while missense variants in the actin-binding domain and NMD-predicted variants located in the Ig-like domain 15, have been reported for distal myopathy 4 (MIM#614065) (PMID: 32112656); Alternative amino acid change(s) at the same position are present in gnomAD (highest allele count: v4: 1 heterozygote(s), 0 homozygote(s)); Variant is located in the annotated filamin/ABP280 repeat (DECIPHER); Missense variant with inconclusive in silico prediction and/or uninformative conservation; Loss of function and gain of function are known mechanisms of disease in this gene. Loss of function is the established mechanism of disease for variants in dilated cardiomyopathy (PMID: 32112656), familial hypertrophic cardiomyopathy 26 (MIM#617047), familial restrictive cardiomyopathy 5 (MIM#617047), familial arrhythmogenic right ventricular dysplasia (MIM#617047), and myofibrillar myopathy 5 (MIM#609524). In distal myopathy 4 (MIM#614065), NMD-predicted variants cause a loss of function, however missense variants have been shown to result in a toxic gain of function (PMID: 32112656); Inheritance information for this variant is not currently available in this individual.

Molecular Diagnostic Laboratory for Inherited Cardiovascular Disease, Montreal Heart Institute
Classification: Likely pathogenic for Cardiovascular phenotype. Last evaluated: 2025-12-02. Review status: criteria provided, single submitter. Criteria: ACMG Guidelines, 2015. Collection method: clinical testing. Allele origin: germline. Affected: yes.
Comment: PP1_strong, PS4_mod, PM2, PS3_supp

Labcorp Genetics (formerly Invitae), Labcorp
Classification: Pathogenic for Distal myopathy with posterior leg and anterior hand involvement; Myofibrillar myopathy 5; Hypertrophic cardiomyopathy 26. Last evaluated: 2025-11-08. Review status: criteria provided, single submitter. Criteria: Invitae Variant Classification Sherloc (09022015). Collection method: clinical testing. Allele origin: germline.
Comment: This sequence change replaces valine, which is neutral and non-polar, with methionine, which is neutral and non-polar, at codon 2297 of the FLNC protein (p.Val2297Met). The frequency data for this variant in the population databases is considered unreliable, as metrics indicate poor data quality at this position in the gnomAD database. This missense change has been observed in individuals with restrictive cardiomyopathy (PMID: 29212899, 29650767, 30418145, 31245841; internal data). It has also been observed to segregate with disease in related individuals. ClinVar contains an entry for this variant (Variation ID: 641618). Invitae Evidence Modeling of protein sequence and biophysical properties (such as structural, functional, and spatial information, amino acid conservation, physicochemical variation, residue mobility, and thermodynamic stability) indicates that this missense variant is not expected to disrupt FLNC protein function with a negative predictive value of 95%. Experimental studies have shown that this missense change affects FLNC function (PMID: 29212899). For these reasons, this variant has been classified as Pathogenic.

Molecular Genetics, Royal Melbourne Hospital
Classification: Pathogenic for Restrictive cardiomyopathy. Last evaluated: 2025-02-06. Review status: criteria provided, single submitter. Criteria: ACMG Guidelines, 2015. Collection method: clinical testing. Allele origin: germline. Inheritance: Autosomal dominant inheritance. Affected: yes.
Comment: This sequence change in FLNC is predicted to replace valine with methionine at codon 2297, p.(Val2297Met). The valine residue is highly conserved (100 vertebrates, Multiz Alignments), and is located in the Ig-like ROD2 domain 20 (PMID: 31245841). There is a small physicochemical difference between valine and methionine. FLNC, in which the variant was identified, is a gene significantly constrained for missense variation and where pathogenic missense variants are a common mechanism of disease (gnomAD v4.1, ClinVar). The highest population minor allele frequency in the population database gnomAD v4.1 is 0.0002% (2/1,178,374 alleles) in the European (non-Finnish) population, consistent with autosomal dominant disease. This variant has been reported in multiple probands with restrictive cardiomyopathy (RCM) and segregates with RCM and/or atrial fibrillation (PMID: 29650767, 29212899, 31245841, 36104822, 36252119; ClinVar: SCV001447963.1, SCV000934330.4, SCV003859319.3; GeneDx, Royal Melbourne Hospital). At least one individual with this variant displayed a diminished association of FLNC with sarcomeric architecture in a ventricular tissue sample (PMID: 29212899). Additionally, a functional study with limited validation assaying cardiomyocyte contractility is supportive of a damaging effect on protein function (PMID: 29212899). Computational evidence is uninformative for the missense substitution (REVEL = 0.366) and predicts no impact on splicing (SpliceAI) for the nucleotide change. Based on the classification scheme RMH Modified ACMG/AMP Guidelines v1.7.1, this variant is classified as PATHOGENIC. Following criteria are met: PM2_Supporting, PP1_Strong, PP2, PP4, PS4.

GeneDx
Classification: Likely pathogenic. Last evaluated: 2024-07-15. Review status: criteria provided, single submitter. Criteria: GeneDx Variant Classification Process June 2021. Collection method: clinical testing. Allele origin: germline. Affected: yes.
Comment: Published functional studies demonstrate a damaging effect that includes reduced contractile activity when compared with control cells; however, additional studies are needed to validate the functional effect of this variant in vivo (PMID: 29212899); Not observed at significant frequency in large population cohorts (gnomAD); In silico analysis indicates that this missense variant does not alter protein structure/function; This variant is associated with the following publications: (PMID: 31245841, 32154132, 30260051, 32824180, 33429969, 29212899, 29212901, 29650767, 30418145, 32295012, 32112656, 30919686, 29858533, 35345275, 33557094, 33802723, 36104822, 34971933, 35456187, 35159226, 36560844, 36129056, 36252119, 36935760)

Ambry Genetics
Classification: Likely pathogenic for Cardiovascular phenotype. Last evaluated: 2024-05-17. Review status: criteria provided, single submitter. Criteria: Ambry Variant Classification Scheme 2023. Collection method: clinical testing. Allele origin: germline.
Comment: The p.V2297M variant (also known as c.6889G>A), located in coding exon 41 of the FLNC gene, results from a G to A substitution at nucleotide position 6889. The valine at codon 2297 is replaced by methionine, an amino acid with highly similar properties. This alteration has been reported in multiple probands with feature consistent with restrictive cardiomyopathy (RCM) with and without skeletal myopathy, and has been shown to segregate with disease in families (Tucker NR et al. Circ Cardiovasc Genet, 2017 Dec;10; Ader F et al. Med Sci (Paris), 2018 Nov;34 Hors s&eacute;rie n&deg;2:39-41; Ma Y et al. Circ Genom Precis Med, 2018 Apr;11:e002117; Rold&aacute;n-Sevilla A et al. Circ Genom Precis Med, 2019 Mar;12:e002388; Xiao F et al. Transl Pediatr, 2020 Feb;9:21-33; Bagnall RD et al. Circ Genom Precis Med. 2022 Dec;15(6):e003686Muravyev A et al. Orphanet J Rare Dis, 2022 Sep;17:358; Ambry internal data). In vitro studies by one group indicated that this alteration may impact protein function (Tucker NR et al. Circ Cardiovasc Genet, 2017 Dec;10). This amino acid position is highly conserved in available vertebrate species. In addition, the in silico prediction for this alteration is inconclusive. This variant is considered to be rare based on population cohorts in the Genome Aggregation Database (gnomAD). Based on the majority of available evidence to date, this variant is likely to be pathogenic for FLNC-related hypertrophic/restrictive cardiomyopathy and/or skeletal myopathy; however, its clinical significance for FLNC-related dilated cardiomyopathy is uncertain.

Institute of Medical Genetics and Applied Genomics, University Hospital Tübingen
Classification: Likely pathogenic. Last evaluated: 2020-10-23. Review status: criteria provided, single submitter. Criteria: ACMG Guidelines, 2015. Collection method: clinical testing. Allele origin: germline. Inheritance: Autosomal dominant inheritance. Affected: yes.

Blueprint Genetics
Classification: Pathogenic for FLNC-related disorders. Last evaluated: 2019-09-28. Review status: criteria provided, single submitter. Criteria: ACMG Guidelines, 2015. Collection method: clinical testing. Allele origin: germline. Affected: yes. Observed: 1 variant allele.

Literature cited by the submitters: PubMed 31245841 (cited by 3 submitters); PubMed 32112656 (cited by Victorian Clinical Genetics Services, Murdoch Childrens Research Institute); PubMed 29650767 (cited by 4 submitters); PubMed 36104822 (cited by 3 submitters); PubMed 29212899 (cited by 4 submitters); PubMed 30418145 (cited by Labcorp Genetics (formerly Invitae), Labcorp and Ambry Genetics); PubMed 36252119 (cited by Molecular Genetics, Royal Melbourne Hospital and Ambry Genetics); PubMed 30919686 (cited by Ambry Genetics); PubMed 32154132 (cited by Ambry Genetics).

NM_001458.5(FLNC):c.6889G>A (p.Val2297Met)

Genes: FLNC (filamin C; plus strand), FLNC-AS1 (FLNC antisense RNA 1; minus strand). Cytogenetic location: 7q32.1.
Variant type: single nucleotide variant.
Coding change: c.6889G>A on transcript NM_001458.5 (MANE Select); coding-DNA position 6889, G replaced by A.
Protein change: p.Val2297Met; replaces valine 2297 with methionine.
Molecular consequence: missense variant.
Genome position (GRCh38, 1-based): chr7:128,854,574, G>A. VCF-style: chr7-128854574-G-A. GRCh37 (hg19) VCF-style: chr7-128494628-G-A.
Other names: c.6790G>A, p.Val2264Met (NM_001127487.2); short protein forms V2264M, V2297M.
Identifiers: ClinVar variation 641618 (VCV000641618.22), dbSNP rs1420394583, ClinGen allele CA369214072.